The following is an entry in ClinVar:

ClinVar aggregate classification (germline): Pathogenic. Review status: criteria provided, multiple submitters, no conflicts (2 of 4 stars). 2 submissions from 2 submitters: Pathogenic (2). Last evaluated 2023-05-22.

Conditions:
Familial adenomatous polyposis 2. Also called: FAP type 2; MUTYH Polyposis; COLORECTAL ADENOMATOUS POLYPOSIS, AUTOSOMAL RECESSIVE; ADENOMAS, MULTIPLE COLORECTAL, AUTOSOMAL RECESSIVE; MYH-associated polyposis; MUTYH-associated polyposis. Identifiers: Orphanet 220460, Orphanet 247798, MedGen C3272841, MONDO:0012041, OMIM 608456.

Submissions (2):

Myriad Genetics, Inc.
Classification: Pathogenic for Familial adenomatous polyposis 2. Last evaluated: 2023-05-22. Review status: criteria provided, single submitter. Criteria: Myriad Autosomal Dominant, Autosomal Recessive and X-Linked Classification Criteria (2023). Collection method: clinical testing. Allele origin: unknown.
Comment: This variant is considered pathogenic. This variant creates a frameshift predicted to result in premature protein truncation.

Labcorp Genetics (formerly Invitae), Labcorp
Classification: Pathogenic for Familial adenomatous polyposis 2. Last evaluated: 2021-03-29. Review status: criteria provided, single submitter. Criteria: Invitae Variant Classification Sherloc (09022015). Collection method: clinical testing. Allele origin: germline.
Comment: Algorithms developed to predict the effect of sequence changes on RNA splicing suggest that this variant may disrupt the consensus splice site, but this prediction has not been confirmed by published transcriptional studies. For these reasons, this variant has been classified as Pathogenic. Loss-of-function variants in MUTYH are known to be pathogenic (PMID: 18534194, 20663686). This variant has not been reported in the literature in individuals with MUTYH-related conditions. This variant is not present in population databases (ExAC no frequency). This sequence change creates a premature translational stop signal (p.Gln154Glufs*98) in the MUTYH gene. It is expected to result in an absent or disrupted protein product.

Literature cited by the submitters: PubMed 18534194 (cited by Labcorp Genetics (formerly Invitae), Labcorp); PubMed 20663686 (cited by Labcorp Genetics (formerly Invitae), Labcorp).

NM_001048174.2(MUTYH):c.376_377del (p.Gln126fs)

Gene: MUTYH (mutY DNA glycosylase; minus strand). Cytogenetic location: 1p34.1.
Variant type: Deletion.
Coding change: c.376_377del on transcript NM_001048174.2 (MANE Select); coding-DNA positions 376 to 377, 2 bases deleted (CA; older notation c.376_377delCA).
Protein change: p.Gln126fs; shifts the reading frame from glutamine 126.
Molecular consequence: frameshift variant. On other transcripts: non-coding transcript variant (1), intron variant (2).
Genome position (GRCh38, 1-based): chr1:45,333,098-45,333,099, TG deleted on the plus strand (CA on the coding strand, the reverse complement: MUTYH is on the minus strand). VCF-style (leftmost placement, unchanged base first): chr1-45333097-CTG-C. GRCh37 (hg19) VCF-style: chr1-45798769-CTG-C.
Other names: c.376_377del, p.Gln126fs (NM_001048171.2, NM_001048173.2, NM_001293195.2); c.379_380del, p.Gln127fs (NM_001048172.2); c.460_461del, p.Gln154fs (NM_001128425.2); c.421_422del, p.Gln141fs (NM_001293190.2); c.409_410del, p.Gln137fs (NM_001293191.2); c.100_101del, p.Gln34fs (NM_001293192.2, NM_001293196.2); c.451_452del, p.Gln151fs (NM_012222.3); c.34-140_34-139del (NM_001350651.2, NM_001350650.2); short protein forms Q126fs, Q127fs, Q137fs, Q141fs, Q151fs, Q154fs, Q34fs.
Identifiers: ClinVar variation 1076845 (VCV001076845.8), dbSNP rs2149164388, ClinGen allele CA2499214775.
Genomic context (GRCh38, chr1:45,333,097, plus strand): 5'-AAGTAGAGGCTCTCATCTGGGGTCTGACCCATGACCCTTCCCTTCCTCCCCTGGAGTCAC[CTG>C]CATCCATCCGGTATAGTAGTTGATCACAGTGGCAACCTGGGTCTGCTGCAGCATGACCTC-3'